The following is an entry in ClinVar:

NM_003242.6(TGFBR2):c.8G>A (p.Arg3Gln)

Gene: TGFBR2 (transforming growth factor beta receptor 2; plus strand). Cytogenetic location: 3p24.1.
Variant type: single nucleotide variant.
Coding change: c.8G>A on transcript NM_003242.6 (MANE Select); coding-DNA position 8, G replaced by A.
Protein change: p.Arg3Gln; replaces arginine 3 with glutamine.
Molecular consequence: missense variant.
Genome position (GRCh38, 1-based): chr3:30,606,891, G>A. VCF-style: chr3-30606891-G-A. GRCh37 (hg19) VCF-style: chr3-30648383-G-A.
Other names: c.8G>A, p.Arg3Gln (NM_001024847.3, NM_001407126.1, NM_001407127.1 and 4 more transcripts); c.-276G>A (NM_001407133.1); c.-154G>A (NM_001407134.1); c.-201G>A (NM_001407135.1); c.-286G>A (NM_001407136.1); short protein forms R3Q.
Identifiers: ClinVar variation 922243 (VCV000922243.11), dbSNP rs780267559, ClinGen allele CA050077.
Genomic context (GRCh38, chr3:30,606,891, plus strand): 5'-GGCGCCGTCCGCTGCGCTGGGGGCTCGGTCTATGACGAGCAGCGGGGTCTGCCATGGGTC[G>A]GGGGCTGCTCAGGGGCCTGTGGCCGCTGCACATCGTCCTGTGGACGCGTATCGCCAGCAC-3'
Protein context (NP_003233.4, residues 1-13): MG[Arg3Gln]GLLRGLWPLH

ClinVar aggregate classification (germline): Uncertain significance/Uncertain risk allele. Review status: criteria provided, multiple submitters, no conflicts (2 of 4 stars). 4 submissions from 4 submitters: Uncertain significance (3); Uncertain risk allele (1). Last evaluated 2024-11-27.

Conditions:
Loeys-Dietz syndrome 2 (LDS2). Also called: TGFBR2-Related Loeys-Dietz Syndrome; AORTIC ANEURYSM, FAMILIAL THORACIC 3; MARFAN SYNDROME, TYPE II; Marfan Syndrome type 2; Marfan like connective tissue disorder; MFS 2. Identifiers: Orphanet 284973, Orphanet 558, MedGen C2674574, MONDO:0012427, OMIM 610168.
Diabetic retinopathy. Identifiers: MedGen C0011884, MONDO:0005266.
Familial thoracic aortic aneurysm and aortic dissection (TAAD). Also called: Thoracic aortic aneurysms and dissections. Identifiers: Orphanet 91387, MedGen C4707243, MONDO:0019625.

Allele frequency attached by ClinVar (database versions not stated): TOPMed 0.00001.
gnomAD v4.1: 3 of 1,569,916 alleles (0.00019%); highest among the groups gnomAD compares: Non-Finnish European, 0.00026%; no homozygotes.

Submissions (4):

Labcorp Genetics (formerly Invitae), Labcorp
Classification: Uncertain significance for Familial thoracic aortic aneurysm and aortic dissection. Last evaluated: 2024-11-27. Review status: criteria provided, single submitter. Criteria: Invitae Variant Classification Sherloc (09022015). Collection method: clinical testing. Allele origin: germline.
Comment: This sequence change replaces arginine, which is basic and polar, with glutamine, which is neutral and polar, at codon 3 of the TGFBR2 protein (p.Arg3Gln). The frequency data for this variant in the population databases is considered unreliable, as metrics indicate poor data quality at this position in the gnomAD database. This variant has not been reported in the literature in individuals affected with TGFBR2-related conditions. ClinVar contains an entry for this variant (Variation ID: 922243). Invitae Evidence Modeling of protein sequence and biophysical properties (such as structural, functional, and spatial information, amino acid conservation, physicochemical variation, residue mobility, and thermodynamic stability) indicates that this missense variant is not expected to disrupt TGFBR2 protein function with a negative predictive value of 95%. In summary, the available evidence is currently insufficient to determine the role of this variant in disease. Therefore, it has been classified as a Variant of Uncertain Significance.

All of Us Research Program, National Institutes of Health
Classification: Uncertain significance for Loeys-Dietz syndrome 2. Last evaluated: 2023-08-15. Review status: criteria provided, single submitter. Criteria: ACMG Guidelines, 2015. Collection method: clinical testing. Allele origin: germline. Inheritance: Autosomal dominant inheritance. Observed: 3 variant alleles, 3 heterozygotes.
Comment: This missense variant replaces arginine with glutamine at codon 3 of the TGFBR2 protein. Computational prediction tool suggests that this variant may not impact protein structure and function (internally defined REVEL score threshold <=0.5, PMID: 27666373). Splice site prediction tools suggest that this variant may not impact RNA splicing. To our knowledge, functional studies have not been performed for this variant. This variant has not been reported in individuals affected with cardiovascular disorders in the literature. This variant has been identified in 1/194290 chromosomes in the general population by the Genome Aggregation Database (gnomAD). The available evidence is insufficient to determine the role of this variant in disease conclusively. Therefore, this variant is classified as a Variant of Uncertain Significance.

This study involves interpretation of variants in research participants for the purpose of population health screening. Participant phenotype was not available at the time of variant classification. Additional details can be found in publication PMID: 35346344, PMCID: PMC8962531

Color Diagnostics, LLC DBA Color Health
Classification: Uncertain significance for Familial thoracic aortic aneurysm and aortic dissection. Last evaluated: 2023-01-18. Review status: criteria provided, single submitter. Criteria: ACMG Guidelines, 2015. Collection method: clinical testing. Allele origin: germline.
Comment: This variant is located in the TGFBR2 protein. Computational prediction suggests that this variant may not impact protein structure and function (internally defined REVEL score threshold <= 0.5, PMID: 27666373). To our knowledge, functional studies have not been reported for this variant. This variant has not been reported in individuals affected with TGFBR2-related disorders in the literature. This variant has been identified in 1/194290 chromosomes in the general population by the Genome Aggregation Database (gnomAD). The available evidence is insufficient to determine the role of this variant in disease conclusively. Therefore, this variant is classified as a Variant of Uncertain Significance.

Clinical Genomics, Uppaluri K&H Personalized Medicine Clinic
Classification: Uncertain risk allele for Diabetic retinopathy. Review status: criteria provided, single submitter. Criteria: K And H Uppaluri Personalized Medicine Clinic Variant Classification And Assertion Criteria Updated V 2. Collection method: research. Allele origin: unknown.
Comment: Potent mutations in TGFBR2 gene encodes the transforming growth factor that have been associated with angiogenesis and diabetic retinopathy. More clinical studies are needed for stronger association. However, more evidence is required to confer the association of this particular variant rs780267559 with diabetic retinopathy.

Literature cited by the submitters: PubMed 30222965 (cited by Clinical Genomics, Uppaluri K&H Personalized Medicine Clinic); PubMed 28162229 (cited by Clinical Genomics, Uppaluri K&H Personalized Medicine Clinic); PubMed 34572573 (cited by Clinical Genomics, Uppaluri K&H Personalized Medicine Clinic).